The following is an entry in ClinVar:

NM_001367823.1(ARHGEF18):c.1885C>T (p.Gln629Ter)

Gene: ARHGEF18 (Rho/Rac guanine nucleotide exchange factor 18; plus strand). Cytogenetic location: 19p13.2.
Variant type: single nucleotide variant.
Coding change: c.1885C>T on transcript NM_001367823.1 (MANE Select); coding-DNA position 1885, C replaced by T.
Protein change: p.Gln629Ter; replaces glutamine 629 with a stop codon.
Molecular consequence: nonsense.
Genome position (GRCh38, 1-based): chr19:7,453,496, C>T. VCF-style: chr19-7453496-C-T. GRCh37 (hg19) VCF-style: chr19-7518382-C-T.
Other names: c.1159C>T, p.Gln387Ter (NM_001130955.2); c.847C>T, p.Gln283Ter (NM_001367824.1, NM_015318.4); short protein forms Q283*, Q387*, Q629*.
Identifiers: ClinVar variation 2087890 (VCV002087890.4), dbSNP rs2512273417, ClinGen allele CA403111683.
Genomic context (GRCh38, chr19:7,453,496, plus strand): 5'-AGAAAGACGCTAACTCTGCTATGTGTGGCAGCTGGCACTGAGGACTATGAAGACCTGACC[C>T]AGGCCTTGAACCTCATCAAAGATATCATCTCACAAGTGGACGCCAAGGTCAGTGAGTGTG-3'

ClinVar aggregate classification (germline): Pathogenic (1 of 4 stars; one submission).

Submission:

Labcorp Genetics (formerly Invitae), Labcorp
Classification: Pathogenic. Last evaluated: 2022-10-13. Review status: criteria provided, single submitter. Criteria: Invitae Variant Classification Sherloc (09022015). Collection method: clinical testing. Allele origin: germline.
Comment: For these reasons, this variant has been classified as Pathogenic. This variant has not been reported in the literature in individuals affected with ARHGEF18-related conditions. This variant is not present in population databases (gnomAD no frequency). This sequence change creates a premature translational stop signal (p.Gln441*) in the ARHGEF18 gene. It is expected to result in an absent or disrupted protein product. Loss-of-function variants in ARHGEF18 are known to be pathogenic (PMID: 28132693).

Literature cited by the submitters: PubMed 28132693.